The following is an entry in ClinVar:

ClinVar aggregate classification (germline): Uncertain significance (1 of 4 stars; one submission).

Conditions:
Immunodeficiency. Identifiers: MedGen C0021051, MONDO:0021094, HP:0002721.

Submission:

Labcorp Genetics (formerly Invitae), Labcorp
Classification: Uncertain significance for Immunodeficiency. Last evaluated: 2024-03-30. Review status: criteria provided, single submitter. Criteria: Invitae Variant Classification Sherloc (09022015). Collection method: clinical testing. Allele origin: germline.
Comment: This sequence change replaces valine, which is neutral and non-polar, with isoleucine, which is neutral and non-polar, at codon 928 of the NFAT5 protein (p.Val928Ile). This variant is not present in population databases (gnomAD no frequency). This variant has not been reported in the literature in individuals affected with NFAT5-related conditions. An algorithm developed to predict the effect of missense changes on protein structure and function (PolyPhen-2) suggests that this variant is likely to be disruptive. In summary, the available evidence is currently insufficient to determine the role of this variant in disease. Therefore, it has been classified as a Variant of Uncertain Significance.

NM_138713.4(NFAT5):c.3064G>A (p.Val1022Ile)

Gene: NFAT5 (nuclear factor of activated T cells 5; plus strand). Cytogenetic location: 16q22.1.
Variant type: single nucleotide variant.
Coding change: c.3064G>A on transcript NM_138713.4 (MANE Select); coding-DNA position 3064, G replaced by A.
Protein change: p.Val1022Ile; replaces valine 1022 with isoleucine.
Molecular consequence: missense variant.
Genome position (GRCh38, 1-based): chr16:69,692,889, G>A. VCF-style: chr16-69692889-G-A. GRCh37 (hg19) VCF-style: chr16-69726792-G-A.
Other names: c.3061G>A, p.Val1021Ile (NM_001113178.3); c.2389G>A, p.Val797Ile (NM_001367709.1); c.3010G>A, p.Val1004Ile (NM_006599.4); c.2782G>A, p.Val928Ile (NM_138714.4, NM_173214.3, NM_173215.3); short protein forms V1021I, V797I, V1004I, V1022I, V928I.
Identifiers: ClinVar variation 3659785 (VCV003659785.2).